The following is an entry in ClinVar:

ClinVar aggregate classification (germline): Uncertain significance (1 of 4 stars; one submission).

Submission:

Labcorp Genetics (formerly Invitae), Labcorp
Classification: Uncertain significance. Last evaluated: 2021-12-15. Review status: criteria provided, single submitter. Criteria: Invitae Variant Classification Sherloc (09022015). Collection method: clinical testing. Allele origin: germline.
Comment: In summary, the available evidence is currently insufficient to determine the role of this variant in disease. Therefore, it has been classified as a Variant of Uncertain Significance. Algorithms developed to predict the effect of missense changes on protein structure and function (SIFT, PolyPhen-2, Align-GVGD) all suggest that this variant is likely to be tolerated. This variant has not been reported in the literature in individuals affected with P3H2-related conditions. This variant is not present in population databases (gnomAD no frequency). This sequence change replaces proline, which is neutral and non-polar, with serine, which is neutral and polar, at codon 103 of the P3H2 protein (p.Pro103Ser).

NM_018192.4(P3H2):c.307C>T (p.Pro103Ser)

Genes: P3H2 (prolyl 3-hydroxylase 2; minus strand), LOC129938149 (ATAC-STARR-seq lymphoblastoid silent region 14999; plus strand). Cytogenetic location: 3q28.
Variant type: single nucleotide variant.
Coding change: c.307C>T on transcript NM_018192.4 (MANE Select); coding-DNA position 307, C replaced by T.
Protein change: p.Pro103Ser; replaces proline 103 with serine.
Molecular consequence: missense variant. On other transcripts: intron variant (1).
Genome position (GRCh38, 1-based): chr3:190,120,425, G>A on the plus strand (C>T on the coding strand, the complement: P3H2 is on the minus strand). VCF-style: chr3-190120425-G-A. GRCh37 (hg19) VCF-style: chr3-189838214-G-A.
Other names: c.-64+1778C>T (NM_001134418.2); short protein forms P103S.
Identifiers: ClinVar variation 2161317 (VCV002161317.4), dbSNP rs1712509988, ClinGen allele CA355859750.